The following is an entry in ClinVar:

ClinVar aggregate classification (germline): Benign. Review status: criteria provided, multiple submitters, no conflicts (2 of 4 stars). 5 submissions from 5 submitters: Benign (5). Last evaluated 2026-01-28.

Conditions:
Primary ciliary dyskinesia 23 (CILD23). Also called: CILIARY DYSKINESIA, PRIMARY, 23, WITH OR WITHOUT SITUS INVERSUS. Identifiers: Orphanet 244, MedGen C3809548, MONDO:0014193, OMIM 615451.
Primary ciliary dyskinesia. Also called: Ciliary dyskinesia. Identifiers: Orphanet 244, MedGen C0008780, MONDO:0016575, HP:0012265.

Allele frequency attached by ClinVar (database versions not stated): gnomAD exomes 0.00055 and 0.00161; ExAC 0.00215; 1000 Genomes Project 0.00619; gnomAD 0.00629 and 0.00675; 1000 Genomes Project 30x 0.00671; TOPMed 0.00730; ESP Exome Variant Server 0.00738.
gnomAD v4.1: 1,791 of 1,608,228 alleles (0.11%); highest among the groups gnomAD compares: African/African-American, 2.1%; 16 homozygotes.

Submissions (5):

Labcorp Genetics (formerly Invitae), Labcorp
Classification: Benign for Primary ciliary dyskinesia 23. Last evaluated: 2026-01-28. Review status: criteria provided, single submitter. Criteria: Invitae Variant Classification Sherloc (09022015). Collection method: clinical testing. Allele origin: germline.

Mayo Clinic Laboratories, Mayo Clinic
Classification: Benign. Last evaluated: 2024-10-17. Review status: criteria provided, single submitter. Criteria: ACMG Guidelines, 2015. Collection method: clinical testing. Allele origin: germline. Observed: 4 variant alleles.
Comment: BS1, BS2

ARUP Laboratories, Molecular Genetics and Genomics, ARUP Laboratories
Classification: Benign for Primary ciliary dyskinesia 23. Last evaluated: 2023-09-21. Review status: criteria provided, single submitter. Criteria: ARUP Molecular Germline Variant Investigation Process 2024. Collection method: clinical testing. Allele origin: germline.

Ambry Genetics
Classification: Benign for Primary ciliary dyskinesia. Last evaluated: 2017-05-18. Review status: criteria provided, single submitter. Criteria: Ambry Variant Classification Scheme 2023. Collection method: clinical testing. Allele origin: germline.

Breakthrough Genomics
Classification: Benign. Review status: criteria provided, single submitter. Criteria: ACMG Guidelines, 2015. Collection method: not provided. Allele origin: germline. Inheritance: Autosomal recessive inheritance. Affected: yes.

NM_018076.5(ODAD2):c.717G>A (p.Pro239=)

Gene: ODAD2 (outer dynein arm docking complex subunit 2; minus strand). Cytogenetic location: 10p12.1.
Variant type: single nucleotide variant.
Coding change: c.717G>A on transcript NM_018076.5 (MANE Select); coding-DNA position 717, G replaced by A.
Protein change: p.Pro239=; no amino-acid change (proline 239 retained).
Molecular consequence: synonymous variant.
Genome position (GRCh38, 1-based): chr10:27,983,945, C>T on the plus strand (G>A on the coding strand, the complement: ODAD2 is on the minus strand). VCF-style: chr10-27983945-C-T. GRCh37 (hg19) VCF-style: chr10-28272874-C-T.
Other names: p.Pro239=; c.717G>A, p.Pro239= (NM_001290020.2).
Identifiers: ClinVar variation 241265 (VCV000241265.16), dbSNP rs150780082, ClinGen allele CA5453736.